The following is an entry in ClinVar:

NM_002661.5(PLCG2):c.1948A>T (p.Ser650Cys)

Gene: PLCG2 (phospholipase C gamma 2; plus strand). Cytogenetic location: 16q23.3.
Variant type: single nucleotide variant.
Coding change: c.1948A>T on transcript NM_002661.5 (MANE Select); coding-DNA position 1948, A replaced by T.
Protein change: p.Ser650Cys; replaces serine 650 with cysteine.
Molecular consequence: missense variant.
Genome position (GRCh38, 1-based): chr16:81,912,610, A>T. VCF-style: chr16-81912610-A-T. GRCh37 (hg19) VCF-style: chr16-81946215-A-T.
Other names: short protein forms S650C.
Identifiers: ClinVar variation 838585 (VCV000838585.10), dbSNP rs1567529655, ClinGen allele CA396901236.

ClinVar aggregate classification (germline): Uncertain significance (1 of 4 stars; one submission).

Conditions:
Familial cold autoinflammatory syndrome 3 (FCAS3). Also called: FAMILIAL ATYPICAL COLD URTICARIA; ANTIBODY DEFICIENCY AND IMMUNE DYSREGULATION, PLCG2-ASSOCIATED. Identifiers: Orphanet 300359, MedGen C3280914, MONDO:0013766, OMIM 614468.

Allele frequency attached by ClinVar (database versions not stated): gnomAD exomes below 0.00001.
gnomAD v4.1: 3 of 1,613,144 alleles (0.00019%); highest among the groups gnomAD compares: Non-Finnish European, 0.000085%; no homozygotes.

Submission:

Labcorp Genetics (formerly Invitae), Labcorp
Classification: Uncertain significance for Familial cold autoinflammatory syndrome 3. Last evaluated: 2022-11-22. Review status: criteria provided, single submitter. Criteria: Invitae Variant Classification Sherloc (09022015). Collection method: clinical testing. Allele origin: germline.
Comment: In summary, the available evidence is currently insufficient to determine the role of this variant in disease. Therefore, it has been classified as a Variant of Uncertain Significance. Algorithms developed to predict the effect of missense changes on protein structure and function are either unavailable or do not agree on the potential impact of this missense change (SIFT: "Deleterious"; PolyPhen-2: "Benign"; Align-GVGD: "Class C15"). ClinVar contains an entry for this variant (Variation ID: 838585). This variant has not been reported in the literature in individuals affected with PLCG2-related conditions. This variant is not present in population databases (gnomAD no frequency). This sequence change replaces serine, which is neutral and polar, with cysteine, which is neutral and slightly polar, at codon 650 of the PLCG2 protein (p.Ser650Cys).